The following is an entry in ClinVar:

NM_005591.4(MRE11):c.923T>C (p.Phe308Ser)

Gene: MRE11 (MRE11 double strand break repair nuclease; minus strand). Cytogenetic location: 11q21.
Variant type: single nucleotide variant.
Coding change: c.923T>C on transcript NM_005591.4 (MANE Select); coding-DNA position 923, T replaced by C.
Protein change: p.Phe308Ser; replaces phenylalanine 308 with serine.
Molecular consequence: missense variant.
Genome position (GRCh38, 1-based): chr11:94,470,565, A>G on the plus strand (T>C on the coding strand, the complement: MRE11 is on the minus strand). VCF-style: chr11-94470565-A-G. GRCh37 (hg19) VCF-style: chr11-94203731-A-G.
Other names: c.923T>C, p.Phe308Ser (NM_001330347.2, NM_005590.4); short protein forms F308S.
Identifiers: ClinVar variation 479769 (VCV000479769.5), dbSNP rs1376748877, ClinGen allele CA382374457.
Genomic context (GRCh38, chr11:94,470,565, plus strand): 5'-ACTTTAGGATTATCTGGGTTAAAAATGTCTGGATGATTAGCTAGAACAATATCCTCCATG[A>G]AAAACTGCCGCACTGTGTGAAGAGGAATTTTATGCATATTCATCTTCCTCCCTTTAATAC-3'
Protein context (NP_005582.1, residues 298-318): KIPLHTVRQF[Phe308Ser]MEDIVLANHP

ClinVar aggregate classification (germline): Uncertain significance (1 of 4 stars; one submission).

Conditions:
Hereditary cancer-predisposing syndrome. Also called: Hereditary Cancer Syndrome; Neoplastic Syndromes, Hereditary; Tumor predisposition; Hereditary neoplastic syndrome. Identifiers: Orphanet 140162, MedGen C0027672, MeSH D009386, MONDO:0015356.

Allele frequency attached by ClinVar (database versions not stated): TOPMed below 0.00001.

Submission:

Ambry Genetics
Classification: Uncertain significance for Hereditary cancer-predisposing syndrome. Last evaluated: 2016-11-09. Review status: criteria provided, single submitter. Criteria: Ambry Variant Classification Scheme 2023. Collection method: clinical testing. Allele origin: germline.
Comment: The p.F308S variant (also known as c.923T>C), located in coding exon 8 of the MRE11A gene, results from a T to C substitution at nucleotide position 923. The phenylalanine at codon 308 is replaced by serine, an amino acid with highly dissimilar properties. This variant was not reported in population based cohorts in the following databases: Database of Single Nucleotide Polymorphisms (dbSNP), NHLBI Exome Sequencing Project (ESP), and 1000 Genomes Project. In the ESP, this variant was not observed in 6498 samples (12996 alleles) with coverage at this position. To date, this alteration has been detected with an allele frequency of approximately 0.001% (greater than 175000 alleles tested) in our clinical cohort. This amino acid position is not well conserved in available vertebrate species. In addition, the in silico prediction for this alteration is inconclusive. Since supporting evidence is limited at this time, the clinical significance of this alteration remains unclear.